The following is an entry in ClinVar:

ClinVar aggregate classification (germline): Uncertain significance (1 of 4 stars; one submission).

gnomAD v4.1: 5 of 1,535,664 alleles (0.00033%); highest among the groups gnomAD compares: East Asian, 0.0049%; no homozygotes.

Submission:

Labcorp Genetics (formerly Invitae), Labcorp
Classification: Uncertain significance. Last evaluated: 2026-01-07. Review status: criteria provided, single submitter. Criteria: Invitae Variant Classification Sherloc (09022015). Collection method: clinical testing. Allele origin: germline.
Comment: This sequence change replaces methionine, which is neutral and non-polar, with threonine, which is neutral and polar, at codon 69 of the BBIP1 protein (p.Met69Thr). This variant is not present in population databases (gnomAD no frequency). This variant has not been reported in the literature in individuals affected with BBIP1-related conditions. An algorithm developed to predict the effect of missense changes on protein structure and function (PolyPhen-2) suggests that this variant is likely to be tolerated. In summary, the available evidence is currently insufficient to determine the role of this variant in disease. Therefore, it has been classified as a Variant of Uncertain Significance.

NM_001195305.3(BBIP1):c.206T>C (p.Met69Thr)

Gene: BBIP1 (BBSome interacting protein 1; minus strand). Cytogenetic location: 10q25.2.
Variant type: single nucleotide variant.
Coding change: c.206T>C on transcript NM_001195305.3 (MANE Select); coding-DNA position 206, T replaced by C.
Protein change: p.Met69Thr; replaces methionine 69 with threonine.
Molecular consequence: missense variant. On other transcripts: 3 prime UTR variant (1).
Genome position (GRCh38, 1-based): chr10:110,900,433, A>G on the plus strand (T>C on the coding strand, the complement: BBIP1 is on the minus strand). VCF-style: chr10-110900433-A-G. GRCh37 (hg19) VCF-style: chr10-112660191-A-G.
Other names: c.*51T>C (NM_001195304.2); c.206T>C, p.Met69Thr (NM_001195306.2); c.131T>C, p.Met44Thr (NM_001195307.2); c.140T>C, p.Met47Thr (NM_001243783.3); short protein forms M44T, M69T, M47T.
Identifiers: ClinVar variation 4768322 (VCV004768322.1).